The following is an entry in ClinVar:

NM_013450.4(BAZ2B):c.4031T>C (p.Val1344Ala)

Gene: BAZ2B (bromodomain adjacent to zinc finger domain 2B; minus strand). Cytogenetic location: 2q24.2.
Variant type: single nucleotide variant.
Coding change: c.4031T>C on transcript NM_013450.4 (MANE Select); coding-DNA position 4031, T replaced by C.
Protein change: p.Val1344Ala; replaces valine 1344 with alanine.
Molecular consequence: missense variant.
Genome position (GRCh38, 1-based): chr2:159,374,728, A>G on the plus strand (T>C on the coding strand, the complement: BAZ2B is on the minus strand). VCF-style: chr2-159374728-A-G. GRCh37 (hg19) VCF-style: chr2-160231239-A-G.
Other names: c.3923T>C, p.Val1308Ala (NM_001289975.1); c.3869T>C, p.Val1290Ala (NM_001329857.2); c.3956T>C, p.Val1319Ala (NM_001329858.2); short protein forms V1290A, V1308A, V1319A, V1344A.
Identifiers: ClinVar variation 2572231 (VCV002572231.1), dbSNP rs2061235288, ClinGen allele CA348932570.

ClinVar aggregate classification (germline): Uncertain significance (1 of 4 stars; one submission).

Allele frequency attached by ClinVar (database versions not stated): gnomAD 0.00003.
gnomAD v4.1: 6 of 1,613,122 alleles (0.00037%); highest among the groups gnomAD compares: Non-Finnish European, 0.00051%; no homozygotes.

Submission:

Greenwood Genetic Center Diagnostic Laboratories, Greenwood Genetic Center
Classification: Uncertain significance. Last evaluated: 2023-05-19. Review status: criteria provided, single submitter. Criteria: ACMG Guidelines, 2015. Collection method: clinical testing. Allele origin: germline. Affected: yes.
Comment: PM2